The following is an entry in ClinVar:

ClinVar aggregate classification (germline): Uncertain significance. Review status: criteria provided, multiple submitters, no conflicts (2 of 4 stars). 2 submissions from 2 submitters: Uncertain significance (2). Last evaluated 2023-06-08.

Conditions:
Hereditary cancer-predisposing syndrome. Also called: Hereditary Cancer Syndrome; Hereditary neoplastic syndrome; Neoplastic Syndromes, Hereditary; Tumor predisposition. Identifiers: Orphanet 140162, MedGen C0027672, MeSH D009386, MONDO:0015356.
Neurofibromatosis, type 2 (SWNV). Also called: SCHWANNOMATOSIS, VESTIBULAR; NF2-Related Schwannomatosis; BILATERAL ACOUSTIC NEUROFIBROMATOSIS. Identifiers: Orphanet 637, MedGen C0027832, MONDO:0007039, OMIM 101000. Disease mechanism: loss of function.

Allele frequency attached by ClinVar (database versions not stated): gnomAD exomes below 0.00001.
gnomAD v4.1: 5 of 1,614,024 alleles (0.00031%); highest among the groups gnomAD compares: Non-Finnish European, 0.00034%; no homozygotes.

Submissions (2):

All of Us Research Program, National Institutes of Health
Classification: Uncertain significance for Neurofibromatosis, type 2. Last evaluated: 2023-06-08. Review status: criteria provided, single submitter. Criteria: ACMG Guidelines, 2015. Collection method: clinical testing. Allele origin: germline. Inheritance: Autosomal dominant inheritance. Observed: 1 variant allele, 1 heterozygote.
Comment: This missense variant replaces leucine with arginine at codon 339 of the NF2 protein. Computational prediction suggests that this variant may have deleterious impact on protein structure and function (internally defined REVEL score threshold >= 0.7, PMID: 27666373). To our knowledge, functional studies have not been reported for this variant. This variant has not been reported in individuals affected with NF2-related disorders in the literature. This variant has not been identified in the general population by the Genome Aggregation Database (gnomAD). The available evidence is insufficient to determine the role of this variant in disease conclusively. Therefore, this variant is classified as a Variant of Uncertain Significance.

This study involves interpretation of variants in research participants for the purpose of population health screening. Participant phenotype was not available at the time of variant classification. Additional details can be found in publication PMID: 35346344, PMCID: PMC8962531

Ambry Genetics
Classification: Uncertain significance for Hereditary cancer-predisposing syndrome. Last evaluated: 2022-06-05. Review status: criteria provided, single submitter. Criteria: Ambry Variant Classification Scheme 2023. Collection method: clinical testing. Allele origin: germline.
Comment: The p.L339R variant (also known as c.1016T>G), located in coding exon 11 of the NF2 gene, results from a T to G substitution at nucleotide position 1016. The leucine at codon 339 is replaced by arginine, an amino acid with dissimilar properties. This amino acid position is conserved. In addition, this alteration is predicted to be deleterious by in silico analysis. Since supporting evidence is limited at this time, the clinical significance of this alteration remains unclear.

NM_000268.4(NF2):c.1016T>G (p.Leu339Arg)

Gene: NF2 (NF2, moesin-ezrin-radixin like (MERLIN) tumor suppressor; plus strand). Cytogenetic location: 22q12.2.
Variant type: single nucleotide variant.
Coding change: c.1016T>G on transcript NM_000268.4 (MANE Select); coding-DNA position 1016, T replaced by G.
Protein change: p.Leu339Arg; replaces leucine 339 with arginine.
Molecular consequence: missense variant. On other transcripts: non-coding transcript variant (1), intron variant (1).
Genome position (GRCh38, 1-based): chr22:29,671,842, T>G. VCF-style: chr22-29671842-T-G. GRCh37 (hg19) VCF-style: chr22-30067831-T-G.
Other names: c.902T>G, p.Leu301Arg (NM_001407053.1, NM_001407056.1); c.893T>G, p.Leu298Arg (NM_001407054.1, NM_001407058.1, NM_181829.3); c.890T>G, p.Leu297Arg (NM_001407055.1, NM_181828.3); c.881T>G, p.Leu294Arg (NM_001407057.1, NM_001407059.1); c.1016T>G, p.Leu339Arg (NM_001407060.1, NM_001407066.1, NM_016418.5 and 2 more transcripts); c.758T>G, p.Leu253Arg (NM_001407062.1); c.767T>G, p.Leu256Arg (NM_001407063.1, NM_001407064.1, NM_181830.3 and 1 more transcripts); c.482T>G, p.Leu161Arg (NM_001407065.1); and 2 more; short protein forms L301R, L161R, L262R, L339R, L256R, L294R, L253R, L297R.
Identifiers: ClinVar variation 1745897 (VCV001745897.3), dbSNP rs2147071509, ClinGen allele CA411146755.